The following is an entry in ClinVar:

ClinVar aggregate classification (germline): Uncertain significance. Review status: criteria provided, multiple submitters, no conflicts (2 of 4 stars). 2 submissions from 2 submitters: Uncertain significance (2). Last evaluated 2023-08-04.

Conditions:
Congenital myasthenic syndrome 8. Also called: MYASTHENIC SYNDROME, CONGENITAL, DUE TO AGRIN DEFICIENCY; Myasthenic syndrome, congenital, 8, with pre- and postsynaptic defects. Identifiers: Orphanet 590, MedGen C3808739, MONDO:0014052, OMIM 615120.

Allele frequency attached by ClinVar (database versions not stated): gnomAD 0.00001; TOPMed 0.00001.
gnomAD v4.1: 48 of 1,568,914 alleles (0.0031%); highest among the groups gnomAD compares: Non-Finnish European, 0.0035%; no homozygotes.

Submissions (2):

Labcorp Genetics (formerly Invitae), Labcorp
Classification: Uncertain significance for Congenital myasthenic syndrome 8. Last evaluated: 2023-08-04. Review status: criteria provided, single submitter. Criteria: Invitae Variant Classification Sherloc (09022015). Collection method: clinical testing. Allele origin: germline.
Comment: This sequence change replaces proline, which is neutral and non-polar, with threonine, which is neutral and polar, at codon 1286 of the AGRN protein (p.Pro1286Thr). The frequency data for this variant in the population databases is considered unreliable, as metrics indicate poor data quality at this position in the gnomAD database. This variant has not been reported in the literature in individuals affected with AGRN-related conditions. ClinVar contains an entry for this variant (Variation ID: 434109). An algorithm developed to predict the effect of missense changes on protein structure and function (PolyPhen-2) suggests that this variant is likely to be tolerated. In summary, the available evidence is currently insufficient to determine the role of this variant in disease. Therefore, it has been classified as a Variant of Uncertain Significance.

Genetic Services Laboratory, University of Chicago
Classification: Uncertain significance. Last evaluated: 2017-02-02. Review status: criteria provided, single submitter. Criteria: ACMG Guidelines, 2015. Collection method: clinical testing. Allele origin: germline. Affected: no.

NM_198576.4(AGRN):c.3856C>A (p.Pro1286Thr)

Gene: AGRN (agrin; plus strand). Cytogenetic location: 1p36.33.
Variant type: single nucleotide variant.
Coding change: c.3856C>A on transcript NM_198576.4 (MANE Select); coding-DNA position 3856, C replaced by A.
Protein change: p.Pro1286Thr; replaces proline 1286 with threonine.
Molecular consequence: missense variant.
Genome position (GRCh38, 1-based): chr1:1,048,116, C>A. VCF-style: chr1-1048116-C-A. GRCh37 (hg19) VCF-style: chr1-983496-C-A.
Other names: c.3856C>A (LRG_198t1); c.3856C>A, p.Pro1286Thr (NM_001305275.2); c.3541C>A, p.Pro1181Thr (NM_001364727.2); short protein forms P1286T, P1181T.
Identifiers: ClinVar variation 434109 (VCV000434109.15), dbSNP rs760218476, ClinGen allele CA337852711.